The following is an entry in ClinVar:

ClinVar aggregate classification (germline): Uncertain significance (1 of 4 stars; one submission).

Conditions:
Cardiovascular phenotype. Identifiers: MedGen CN230736.

Submission:

Ambry Genetics
Classification: Uncertain significance for Cardiovascular phenotype. Last evaluated: 2025-12-24. Review status: criteria provided, single submitter. Criteria: Ambry Variant Classification Scheme 2023. Collection method: clinical testing. Allele origin: germline.
Comment: The p.S2195C variant (also known as c.6584C>G), located in coding exon 48 of the ABCA1 gene, results from a C to G substitution at nucleotide position 6584. The serine at codon 2195 is replaced by cysteine, an amino acid with dissimilar properties. This amino acid position is conserved. In addition, this alteration is predicted to be deleterious by in silico analysis. Based on the available evidence, the clinical significance of this variant remains unclear.

NM_005502.4(ABCA1):c.6584C>G (p.Ser2195Cys)

Genes: ABCA1 (ATP binding cassette subfamily A member 1; minus strand), NIPSNAP3B (nipsnap homolog 3B; plus strand). Cytogenetic location: 9q31.1.
Variant type: single nucleotide variant.
Coding change: c.6584C>G on transcript NM_005502.4 (MANE Select); coding-DNA position 6584, C replaced by G.
Protein change: p.Ser2195Cys; replaces serine 2195 with cysteine.
Molecular consequence: missense variant.
Genome position (GRCh38, 1-based): chr9:104,785,457, G>C on the plus strand (C>G on the coding strand, the complement: ABCA1 is on the minus strand). VCF-style: chr9-104785457-G-C. GRCh37 (hg19) VCF-style: chr9-107547738-G-C.
Other names: short protein forms S2195C.
Identifiers: ClinVar variation 4843948 (VCV004843948.1).